The following is an entry in ClinVar:

ClinVar aggregate classification (germline): Uncertain significance (1 of 4 stars; one submission).

Conditions:
Early-infantile DEE. Also called: Early infantile epileptic encephalopathy; Early infantile epileptic encephalopathy with suppression bursts; Ohtahara syndrome. Identifiers: Orphanet 1934, MedGen C0393706, MONDO:0800491.

Submission:

Labcorp Genetics (formerly Invitae), Labcorp
Classification: Uncertain significance for Early-infantile DEE. Last evaluated: 2022-02-21. Review status: criteria provided, single submitter. Criteria: Invitae Variant Classification Sherloc (09022015). Collection method: clinical testing. Allele origin: germline.
Comment: In summary, the available evidence is currently insufficient to determine the role of this variant in disease. Therefore, it has been classified as a Variant of Uncertain Significance. Variants that disrupt the consensus splice site are a relatively common cause of aberrant splicing (PMID: 17576681, 9536098). Algorithms developed to predict the effect of sequence changes on RNA splicing suggest that this variant may disrupt the consensus splice site. This variant has not been reported in the literature in individuals affected with HCN1-related conditions. This variant is not present in population databases (gnomAD no frequency). This sequence change falls in intron 6 of the HCN1 gene. It does not directly change the encoded amino acid sequence of the HCN1 protein. It affects a nucleotide within the consensus splice site.

Literature cited by the submitters: PubMed 17576681; PubMed 9536098.

NM_021072.4(HCN1):c.1618+6T>C

Gene: HCN1 (hyperpolarization activated cyclic nucleotide gated potassium channel 1; minus strand). Cytogenetic location: 5p12.
Variant type: single nucleotide variant.
Coding change: c.1618+6T>C on transcript NM_021072.4 (MANE Select); 6 bases into the intron after coding-DNA position 1618, T replaced by C.
Molecular consequence: intron variant.
Genome position (GRCh38, 1-based): chr5:45,303,593, A>G on the plus strand (T>C on the coding strand, the complement: HCN1 is on the minus strand). VCF-style: chr5-45303593-A-G. GRCh37 (hg19) VCF-style: chr5-45303695-A-G.
Identifiers: ClinVar variation 2097259 (VCV002097259.4), dbSNP rs2478271441, ClinGen allele CA2580073305.